The following is an entry in ClinVar:

ClinVar aggregate classification (germline): Uncertain significance (1 of 4 stars; one submission).

Conditions:
Duchenne muscular dystrophy (DMD). Also called: MUSCULAR DYSTROPHY, PSEUDOHYPERTROPHIC PROGRESSIVE, DUCHENNE TYPE; Duchenne Muscular Dystrophy (DMD). Identifiers: Orphanet 98896, MedGen C0013264, MONDO:0010679, OMIM 310200.

gnomAD v4.1: 4 of 1,208,932 alleles (0.00033%); highest among the groups gnomAD compares: African/African-American, 0.0017%; no homozygotes.

Submission:

Labcorp Genetics (formerly Invitae), Labcorp
Classification: Uncertain significance for Duchenne muscular dystrophy. Last evaluated: 2025-04-23. Review status: criteria provided, single submitter. Criteria: Invitae Variant Classification Sherloc (09022015). Collection method: clinical testing. Allele origin: germline.
Comment: This sequence change replaces glycine, which is neutral and non-polar, with arginine, which is basic and polar, at codon 1433 of the DMD protein (p.Gly1433Arg). This variant is not present in population databases (gnomAD no frequency). This variant has not been reported in the literature in individuals affected with DMD-related conditions. Invitae Evidence Modeling of protein sequence and biophysical properties (such as structural, functional, and spatial information, amino acid conservation, physicochemical variation, residue mobility, and thermodynamic stability) indicates that this missense variant is not expected to disrupt DMD protein function with a negative predictive value of 95%. In summary, the available evidence is currently insufficient to determine the role of this variant in disease. Therefore, it has been classified as a Variant of Uncertain Significance.

NM_004006.3(DMD):c.4297G>A (p.Gly1433Arg)

Gene: DMD (dystrophin; minus strand). Cytogenetic location: Xp21.1.
Variant type: single nucleotide variant.
Coding change: c.4297G>A on transcript NM_004006.3 (MANE Select); coding-DNA position 4297, G replaced by A.
Protein change: p.Gly1433Arg; replaces glycine 1433 with arginine.
Molecular consequence: missense variant.
Genome position (GRCh38, 1-based): chrX:32,390,118, C>T on the plus strand (G>A on the coding strand, the complement: DMD is on the minus strand). VCF-style: chrX-32390118-C-T. GRCh37 (hg19) VCF-style: chrX-32408235-C-T.
Other names: c.4273G>A, p.Gly1425Arg (NM_000109.4); c.4285G>A, p.Gly1429Arg (NM_004009.3); c.3928G>A, p.Gly1310Arg (NM_004010.3); c.274G>A, p.Gly92Arg (NM_004011.4); c.265G>A, p.Gly89Arg (NM_004012.4); short protein forms G89R, G92R, G1425R, G1429R, G1310R, G1433R.
Identifiers: ClinVar variation 4768026 (VCV004768026.1).